The following is an entry in ClinVar:

ClinVar aggregate classification (germline): Uncertain significance (1 of 4 stars; one submission).

Conditions:
Dilated cardiomyopathy 1O (CMD1O). Also called: CARDIOMYOPATHY, DILATED, WITH VENTRICULAR TACHYCARDIA. Identifiers: Orphanet 154, MedGen C1837839, MONDO:0012062, OMIM 608569.

Submission:

Labcorp Genetics (formerly Invitae), Labcorp
Classification: Uncertain significance for Dilated cardiomyopathy 1O. Last evaluated: 2025-04-26. Review status: criteria provided, single submitter. Criteria: Invitae Variant Classification Sherloc (09022015). Collection method: clinical testing. Allele origin: germline.
Comment: This sequence change replaces arginine, which is basic and polar, with serine, which is neutral and polar, at codon 864 of the ABCC9 protein (p.Arg864Ser). This variant is not present in population databases (gnomAD no frequency). This variant has not been reported in the literature in individuals affected with ABCC9-related conditions. Invitae Evidence Modeling of protein sequence and biophysical properties (such as structural, functional, and spatial information, amino acid conservation, physicochemical variation, residue mobility, and thermodynamic stability) has been performed for this missense variant. However, the output from this modeling did not meet the statistical confidence thresholds required to predict the impact of this variant on ABCC9 protein function. In summary, the available evidence is currently insufficient to determine the role of this variant in disease. Therefore, it has been classified as a Variant of Uncertain Significance.

NM_020297.4(ABCC9):c.2592G>C (p.Arg864Ser)

Gene: ABCC9 (ATP binding cassette subfamily C member 9; minus strand). Cytogenetic location: 12p12.1.
Variant type: single nucleotide variant.
Coding change: c.2592G>C on transcript NM_020297.4 (MANE Select); coding-DNA position 2592, G replaced by C.
Protein change: p.Arg864Ser; replaces arginine 864 with serine.
Molecular consequence: missense variant.
Genome position (GRCh38, 1-based): chr12:21,852,419, C>G on the plus strand (G>C on the coding strand, the complement: ABCC9 is on the minus strand). VCF-style: chr12-21852419-C-G. GRCh37 (hg19) VCF-style: chr12-22005353-C-G.
Other names: c.2592G>C, p.Arg864Ser (NM_001377273.1, NM_005691.4); c.1725G>C, p.Arg575Ser (NM_001377274.1); short protein forms R575S, R864S.
Identifiers: ClinVar variation 4803300 (VCV004803300.1).